The following is an entry in ClinVar:

ClinVar aggregate classification (germline): Likely benign. Review status: criteria provided, multiple submitters, no conflicts (2 of 4 stars). 4 submissions from 4 submitters: Likely benign (4). Last evaluated 2025-07-01.

Allele frequency attached by ClinVar (database versions not stated): 1000 Genomes Project 30x 0.00031; ExAC 0.00038; gnomAD 0.00043 and 0.00044; gnomAD exomes 0.00047 and 0.00064; ESP Exome Variant Server 0.00048; TOPMed 0.00054.
gnomAD v4.1: 990 of 1,614,234 alleles (0.061%); highest among the groups gnomAD compares: Middle Eastern, 0.91%; 1 homozygote.

Submissions (4):

CeGaT Center for Human Genetics Tuebingen
Classification: Likely benign. Last evaluated: 2025-07-01. Review status: criteria provided, single submitter. Criteria: CeGaT Center For Human Genetics Tuebingen Variant Classification Criteria Version 2. Collection method: clinical testing. Allele origin: germline. Affected: yes. Observed: 1 variant allele.
Comment: HTT: BP4, BP7

Blueprint Genetics
Classification: Likely benign. Last evaluated: 2024-11-24. Review status: criteria provided, single submitter. Criteria: ACMG Guidelines, 2015. Collection method: clinical testing. Allele origin: germline.

Labcorp Genetics (formerly Invitae), Labcorp
Classification: Likely benign. Last evaluated: 2024-03-11. Review status: criteria provided, single submitter. Criteria: Invitae Variant Classification Sherloc (09022015). Collection method: clinical testing. Allele origin: germline.

Breakthrough Genomics
Classification: Likely benign. Review status: criteria provided, single submitter. Criteria: ACMG Guidelines, 2015. Collection method: not provided. Allele origin: germline. Inheritance: Autosomal recessive inheritance. Affected: yes.

NM_001388492.1(HTT):c.6642G>T (p.Leu2214=)

Gene: HTT (huntingtin; plus strand). Cytogenetic location: 4p16.3.
Variant type: single nucleotide variant.
Coding change: c.6642G>T on transcript NM_001388492.1 (MANE Select); coding-DNA position 6642, G replaced by T.
Protein change: p.Leu2214=; no amino-acid change (leucine 2214 retained).
Molecular consequence: synonymous variant.
Genome position (GRCh38, 1-based): chr4:3,212,577, G>T. VCF-style: chr4-3212577-G-T. GRCh37 (hg19) VCF-style: chr4-3214304-G-T.
Other names: c.6648G>T, p.Leu2216= (NM_002111.8).
Identifiers: ClinVar variation 1617121 (VCV001617121.19), dbSNP rs372618829, ClinGen allele CA2825112.